The following is an entry in ClinVar:

ClinVar aggregate classification (germline): Uncertain significance. Review status: criteria provided, multiple submitters, no conflicts (2 of 4 stars). 2 submissions from 2 submitters: Uncertain significance (2). Last evaluated 2025-05-20.

Conditions:
Inborn genetic diseases. Identifiers: MedGen C0950123, MeSH D030342.
Short-rib thoracic dysplasia 8 with or without polydactyly (SRTD8). Also called: SHORT-RIB THORACIC DYSPLASIA 8 WITH POLYDACTYLY. Identifiers: Orphanet 93271, MedGen C3809691, MONDO:0014214, OMIM 615503.

Allele frequency attached by ClinVar (database versions not stated): gnomAD exomes 0.00001.

Submissions (2):

Ambry Genetics
Classification: Uncertain significance for Inborn genetic diseases. Last evaluated: 2025-05-20. Review status: criteria provided, single submitter. Criteria: Ambry Variant Classification Scheme 2023. Collection method: clinical testing. Allele origin: germline.

Labcorp Genetics (formerly Invitae), Labcorp
Classification: Uncertain significance for Short-rib thoracic dysplasia 8 with or without polydactyly. Last evaluated: 2022-11-01. Review status: criteria provided, single submitter. Criteria: Invitae Variant Classification Sherloc (09022015). Collection method: clinical testing. Allele origin: germline.
Comment: In summary, the available evidence is currently insufficient to determine the role of this variant in disease. Therefore, it has been classified as a Variant of Uncertain Significance. Algorithms developed to predict the effect of missense changes on protein structure and function are either unavailable or do not agree on the potential impact of this missense change (SIFT: "Tolerated"; PolyPhen-2: "Probably Damaging"; Align-GVGD: "Class C0"). This variant has not been reported in the literature in individuals affected with WDR60-related conditions. This variant is not present in population databases (gnomAD no frequency). This sequence change replaces serine, which is neutral and polar, with arginine, which is basic and polar, at codon 231 of the WDR60 protein (p.Ser231Arg).

NM_018051.5(DYNC2I1):c.691A>C (p.Ser231Arg)

Gene: DYNC2I1 (dynein 2 intermediate chain 1; plus strand). Cytogenetic location: 7q36.3.
Variant type: single nucleotide variant.
Coding change: c.691A>C on transcript NM_018051.5 (MANE Select); coding-DNA position 691, A replaced by C.
Protein change: p.Ser231Arg; replaces serine 231 with arginine.
Molecular consequence: missense variant. On other transcripts: 5 prime UTR variant (3).
Genome position (GRCh38, 1-based): chr7:158,879,801, A>C. VCF-style: chr7-158879801-A-C. GRCh37 (hg19) VCF-style: chr7-158672492-A-C.
Other names: c.553A>C, p.Ser185Arg (NM_001350914.2); c.174A>C, p.Lys58Asn (NM_001350915.2); c.-668A>C (NM_001350916.2); c.-676A>C (NM_001350917.2); c.-795A>C (NM_001350918.2); c.691A>C (NM_018051.4); short protein forms K58N, S231R, S185R.
Identifiers: ClinVar variation 2075071 (VCV002075071.5), dbSNP rs2129478778, ClinGen allele CA370180282.